The following is an entry in ClinVar:

NM_004304.5(ALK):c.4789A>G (p.Thr1597Ala)

Gene: ALK (ALK receptor tyrosine kinase; minus strand). Cytogenetic location: 2p23.2.
Variant type: single nucleotide variant.
Coding change: c.4789A>G on transcript NM_004304.5 (MANE Select); coding-DNA position 4789, A replaced by G.
Protein change: p.Thr1597Ala; replaces threonine 1597 with alanine.
Molecular consequence: missense variant.
Genome position (GRCh38, 1-based): chr2:29,193,298, T>C on the plus strand (A>G on the coding strand, the complement: ALK is on the minus strand). VCF-style: chr2-29193298-T-C. GRCh37 (hg19) VCF-style: chr2-29416164-T-C.
Other names: c.1585A>G, p.Thr529Ala (NM_001353765.2); short protein forms T529A, T1597A.
Identifiers: ClinVar variation 2047712 (VCV002047712.4), dbSNP rs2148137103, ClinGen allele CA346460224.

ClinVar aggregate classification (germline): Uncertain significance (1 of 4 stars; one submission).

Conditions:
Neuroblastoma, susceptibility to, 3. Also called: ALK-Related Neuroblastic Tumor Susceptibility. Identifiers: Orphanet 635, MedGen C2751681, MONDO:0013083, OMIM 613014.

Submission:

Labcorp Genetics (formerly Invitae), Labcorp
Classification: Uncertain significance for Neuroblastoma, susceptibility to, 3. Last evaluated: 2024-09-02. Review status: criteria provided, single submitter. Criteria: Invitae Variant Classification Sherloc (09022015). Collection method: clinical testing. Allele origin: germline.
Comment: This sequence change replaces threonine, which is neutral and polar, with alanine, which is neutral and non-polar, at codon 1597 of the ALK protein (p.Thr1597Ala). This variant is not present in population databases (gnomAD no frequency). This variant has not been reported in the literature in individuals affected with ALK-related conditions. ClinVar contains an entry for this variant (Variation ID: 2047712). An algorithm developed to predict the effect of missense changes on protein structure and function outputs the following: PolyPhen-2: "Benign". The alanine amino acid residue is found in multiple mammalian species, which suggests that this missense change does not adversely affect protein function. In summary, the available evidence is currently insufficient to determine the role of this variant in disease. Therefore, it has been classified as a Variant of Uncertain Significance.